The following is an entry in ClinVar:

ClinVar aggregate classification (germline): Uncertain significance (1 of 4 stars; one submission).

Submission:

Labcorp Genetics (formerly Invitae), Labcorp
Classification: Uncertain significance. Last evaluated: 2025-02-10. Review status: criteria provided, single submitter. Criteria: Invitae Variant Classification Sherloc (09022015). Collection method: clinical testing. Allele origin: germline.
Comment: This sequence change replaces valine, which is neutral and non-polar, with methionine, which is neutral and non-polar, at codon 517 of the LRIT3 protein (p.Val517Met). Information on the frequency of this variant in the gnomAD database is not available, as this variant may be reported differently in the database. This variant has not been reported in the literature in individuals affected with LRIT3-related conditions. ClinVar contains an entry for this variant (Variation ID: 1905811). Experimental studies and prediction algorithms are not available or were not evaluated, and the functional significance of this variant is currently unknown. In summary, the available evidence is currently insufficient to determine the role of this variant in disease. Therefore, it has been classified as a Variant of Uncertain Significance.

NM_198506.5(LRIT3):c.1548_1549inv (p.Val517Met)

Gene: LRIT3 (leucine rich repeat, Ig-like and transmembrane domains 3; plus strand). Cytogenetic location: 4q25.
Variant type: Inversion.
Coding change: c.1548_1549inv on transcript NM_198506.5 (MANE Select).
Protein change: p.Val517Met; replaces valine 517 with methionine.
Molecular consequence: missense variant.
Genome position: GRCh38 VCF-style: chr4-109870297-TG-CA. GRCh37 (hg19) VCF-style: chr4-110791453-TG-CA.
Other names: short protein forms V517M.
Identifiers: ClinVar variation 1905811 (VCV001905811.5), ClinGen allele CA2580071492.